The following is an entry in ClinVar:

NM_001197104.2(KMT2A):c.2903del (p.Asn968fs)

Gene: KMT2A (lysine methyltransferase 2A; plus strand). Cytogenetic location: 11q23.3.
Variant type: Deletion.
Coding change: c.2903del on transcript NM_001197104.2 (MANE Select); coding-DNA position 2903, one base deleted (A; older notation c.2903delA).
Protein change: p.Asn968fs; shifts the reading frame from asparagine 968.
Molecular consequence: frameshift variant.
Genome position (GRCh38, 1-based): chr11:118,474,062, A deleted; the last of 3 consecutive A bases (chr11:118,474,060-118,474,062); deleting any one gives the same sequence. VCF-style (leftmost placement, unchanged base first): chr11-118474059-GA-G. GRCh37 (hg19) VCF-style: chr11-118344774-GA-G.
Other names: c.3002del, p.Asn1001fs (NM_001412597.1); c.2903del, p.Asn968fs (NM_005933.4); short protein forms N1001fs, N968fs.
Identifiers: ClinVar variation 3535444 (VCV003535444.1).

ClinVar aggregate classification (germline): Pathogenic (1 of 4 stars; one submission).

Conditions:
Inborn genetic diseases. Identifiers: MedGen C0950123, MeSH D030342.

Submission:

Ambry Genetics
Classification: Pathogenic for Inborn genetic diseases. Last evaluated: 2024-08-06. Review status: criteria provided, single submitter. Criteria: Ambry Variant Classification Scheme 2023. Collection method: clinical testing. Allele origin: germline.
Comment: The c.2903delA (p.N968Ifs*39) alteration, located in exon 3 (coding exon 3) of the KMT2A gene, consists of a deletion of one nucleotide at position 2903, causing a translational frameshift with a predicted alternate stop codon after 39 amino acids. This alteration is expected to result in loss of function by premature protein truncation or nonsense-mediated mRNA decay. This variant was not reported in population-based cohorts in the Genome Aggregation Database (gnomAD). Based on the available evidence, this alteration is classified as pathogenic.